The following is an entry in ClinVar:

NM_172107.4(KCNQ2):c.1657C>T (p.Arg553Trp)

Gene: KCNQ2 (potassium voltage-gated channel subfamily Q member 2; minus strand). Cytogenetic location: 20q13.33.
Variant type: single nucleotide variant.
Coding change: c.1657C>T on transcript NM_172107.4 (MANE Select); coding-DNA position 1657, C replaced by T.
Protein change: p.Arg553Trp; replaces arginine 553 with tryptophan.
Molecular consequence: missense variant.
Genome position (GRCh38, 1-based): chr20:63,413,556, G>A on the plus strand (C>T on the coding strand, the complement: KCNQ2 is on the minus strand). VCF-style: chr20-63413556-G-A. GRCh37 (hg19) VCF-style: chr20-62044909-G-A.
Other names: p.R553W:CGG>TGG; c.1573C>T, p.Arg525Trp (NM_004518.6); c.1603C>T, p.Arg535Trp (NM_172106.3); c.1564C>T, p.Arg522Trp (NM_172108.5); short protein forms R553W, R522W, R525W, R535W.
Identifiers: ClinVar variation 205913 (VCV000205913.66), dbSNP rs759584387, ClinGen allele CA278566.

ClinVar aggregate classification (germline): Pathogenic. Review status: criteria provided, multiple submitters, no conflicts (2 of 4 stars). 13 submissions from 12 submitters: Pathogenic (8). 5 of the submissions do not count toward it. Last evaluated 2025-10-10.

Conditions:
Seizures, benign familial neonatal, 1. Also called: Benign Neonatal Epilepsy 1; KCNQ2-Related Benign Familial Neonatal Epilepsy; KCNQ2-Related Self-Limited Familial Neonatal Epilepsy (SLFNE); Seizures, benign neonatal, 1. Identifiers: Orphanet 1949, MedGen C3149074, MONDO:0007365, OMIM 121200.
Early-infantile DEE. Also called: Ohtahara syndrome; Early infantile epileptic encephalopathy; Early infantile epileptic encephalopathy with suppression bursts. Identifiers: Orphanet 1934, MedGen C0393706, MONDO:0800491.
Developmental and epileptic encephalopathy, 7 (DEE7). Also called: KCNQ2-Related Neonatal Epileptic Encephalopathy; Early infantile epileptic encephalopathy 7; KCNQ2-Related Neonatal-Onset Developmental and Epileptic Encephalopathy (NEO-DEE). Identifiers: Orphanet 439218, MedGen C3150986, MONDO:0013387, OMIM 613720.
Seizure. Also called: Seizures. Identifiers: MedGen C0036572, HP:0001250.

Allele frequency attached by ClinVar (database versions not stated): gnomAD exomes below 0.00001.

Submissions (13):

Labcorp Genetics (formerly Invitae), Labcorp
Classification: Pathogenic for Early-infantile DEE. Last evaluated: 2025-10-10. Review status: criteria provided, single submitter. Criteria: Invitae Variant Classification Sherloc (09022015). Collection method: clinical testing. Allele origin: germline.
Comment: This sequence change replaces arginine, which is basic and polar, with tryptophan, which is neutral and slightly polar, at codon 553 of the KCNQ2 protein (p.Arg553Trp). This variant is present in population databases (rs759584387, gnomAD 0.0009%). This missense change has been observed in individual(s) with early infantile epileptic encephalopathy and benign neonatal seizures (PMID: 23621294, 27535030). In at least one individual the variant was observed to be de novo. ClinVar contains an entry for this variant (Variation ID: 205913). Invitae Evidence Modeling of protein sequence and biophysical properties (such as structural, functional, and spatial information, amino acid conservation, physicochemical variation, residue mobility, and thermodynamic stability) indicates that this missense variant is expected to disrupt KCNQ2 protein function with a positive predictive value of 95%. This variant disrupts the p.Arg553 amino acid residue in KCNQ2. Other variant(s) that disrupt this residue have been determined to be pathogenic (PMID: 23621294). This suggests that this residue is clinically significant, and that variants that disrupt this residue are likely to be disease-causing. For these reasons, this variant has been classified as Pathogenic.

GeneDx
Classification: Pathogenic. Last evaluated: 2024-12-30. Review status: criteria provided, single submitter. Criteria: GeneDx Variant Classification Process June 2021. Collection method: clinical testing. Allele origin: germline. Affected: yes.
Comment: In silico analysis supports that this missense variant has a deleterious effect on protein structure/function; This variant is associated with the following publications: (PMID: 23621294, 27535030, 29655203, 31302675, 31780880, 31552204, 36198807, 36114283, 34671977, 31440721, 32860008, 32117026, 32863083, 33659638, 35693682, 20437616, 27602407, 12754513, 36849527)

Mendelics
Classification: Pathogenic for Seizures, benign familial neonatal, 1. Last evaluated: 2022-09-20. Review status: criteria provided, single submitter. Criteria: Mendelics Assertion Criteria 2017. Collection method: clinical testing. Allele origin: unknown.

CeGaT Center for Human Genetics Tuebingen
Classification: Pathogenic. Last evaluated: 2021-08-01. Review status: criteria provided, single submitter. Criteria: CeGaT Center For Human Genetics Tuebingen Variant Classification Criteria Version 2. Collection method: clinical testing. Allele origin: germline. Affected: yes. Observed: 2 variant alleles.

Cytogénomique, Hospices Civils de Lyon
Classification: Pathogenic for Seizure. Last evaluated: 2020-07-24. Review status: criteria provided, single submitter. Criteria: ACMG Guidelines, 2015. Collection method: clinical testing. Allele origin: unknown. Inheritance: Sporadic. Affected: yes. Observed: 1 variant allele, 1 heterozygote.
Comment: Absent from gnomAD. Predicted deleterious. Several publications.

Revvity Omics, Revvity
Classification: Pathogenic. Last evaluated: 2019-12-24. Review status: criteria provided, single submitter. Criteria: ACMG Guidelines, 2015. Collection method: clinical testing. Allele origin: germline.

CENTOGENE GmbH and LLC - Guiding Precision Medicine
Classification: Pathogenic for Developmental and epileptic encephalopathy, 7. Review status: criteria provided, single submitter. Criteria: ACMG Guidelines, 2015. Collection method: clinical testing. Allele origin: germline. Affected: yes.

NeuroMeGen, Hospital Clinico Santiago de Compostela
Classification: Pathogenic for Seizures, benign familial neonatal, 1. Review status: criteria provided, single submitter. Criteria: ACMG Guidelines, 2015. Collection method: clinical testing. Allele origin: de novo. Affected: yes.

Center of Excellence for Medical Genomics, Chulalongkorn University
Classification: Pathogenic for Developmental and epileptic encephalopathy, 7. Last evaluated: 2022-08-19. Review status: no assertion criteria provided. Collection method: research. Allele origin: de novo. Affected: yes. Not counted in ClinVar's aggregate classification.

Center of Excellence for Medical Genomics, Chulalongkorn University
Classification: Pathogenic for Seizures, benign familial neonatal, 1. Last evaluated: 2002-09-08. Review status: no assertion criteria provided. Collection method: research. Allele origin: de novo. Affected: yes. Not counted in ClinVar's aggregate classification.

GeneReviews
No classification provided. Condition: Developmental and epileptic encephalopathy, 7. Review status: no classification provided. Collection method: literature only. Allele origin: germline. Affected: yes. Not counted in ClinVar's aggregate classification.
Comment: EE (epileptic encephalopathy)

Functional effect: R553 is part of a consensus sequence for protein kinase C phosphorylation, if the site was eliminated by mutagenesis (S551A), muscarinic modulation of KCNQ2 homomers in HEK cells was reduced 60%. no functional studies of the variant. See Arg 553Trp

Genome Diagnostics Laboratory, University Medical Center Utrecht
Classification: Likely pathogenic. Review status: no assertion criteria provided. Collection method: clinical testing. Allele origin: germline. Affected: yes. Study: VKGL Data-share Consensus. Not counted in ClinVar's aggregate classification.

Joint Genome Diagnostic Labs from Nijmegen and Maastricht, Radboudumc and MUMC+
Classification: Likely pathogenic. Review status: no assertion criteria provided. Collection method: clinical testing. Allele origin: germline. Affected: yes. Study: VKGL Data-share Consensus. Not counted in ClinVar's aggregate classification.

Literature cited by the submitters: PubMed 23621294 (cited by 3 submitters); PubMed 27535030 (cited by Labcorp Genetics (formerly Invitae), Labcorp); PubMed 32860008 (cited by CENTOGENE GmbH and LLC - Guiding Precision Medicine); PubMed 12754513 (cited by GeneReviews); NCBI Bookshelf NBK32534 (cited by GeneReviews).